The following is an entry in ClinVar:

ClinVar aggregate classification (germline): Uncertain significance (1 of 4 stars; one submission).

Submission:

CeGaT Center for Human Genetics Tuebingen
Classification: Uncertain significance. Last evaluated: 2023-02-01. Review status: criteria provided, single submitter. Criteria: CeGaT Center For Human Genetics Tuebingen Variant Classification Criteria Version 2. Collection method: clinical testing. Allele origin: germline. Affected: yes. Observed: 1 variant allele.
Comment: BPTF: PM2, BP4

NM_182641.4(BPTF):c.3383C>T (p.Ala1128Val)

Gene: BPTF (bromodomain PHD finger transcription factor; plus strand). Cytogenetic location: 17q24.2.
Variant type: single nucleotide variant.
Coding change: c.3383C>T on transcript NM_182641.4 (MANE Select); coding-DNA position 3383, C replaced by T.
Protein change: p.Ala1128Val; replaces alanine 1128 with valine.
Molecular consequence: missense variant.
Genome position (GRCh38, 1-based): chr17:67,911,267, C>T. VCF-style: chr17-67911267-C-T. GRCh37 (hg19) VCF-style: chr17-65907383-C-T.
Other names: c.3761C>T, p.Ala1254Val (NM_004459.7); short protein forms A1128V, A1254V.
Identifiers: ClinVar variation 2648131 (VCV002648131.24), dbSNP rs2511457814, ClinGen allele CA400726417.
Genomic context (GRCh38, chr17:67,911,267, plus strand): 5'-TAACGAAAGCAAAAGAAGGGTGTCAGAGTGACTCGATGAGACAAGAACAGAGCCCAAATG[C>T]AAATAATGATCAACCTGAGGACTTGATTCAGGGATGTTCAGAAAGTGATTCCTCAGTTCT-3'
Protein context (NP_872579.2, residues 1118-1138): DSMRQEQSPN[Ala1128Val]NNDQPEDLIQ